The following is an entry in ClinVar:

ClinVar aggregate classification (germline): Likely benign (1 of 4 stars; one submission).

Allele frequency attached by ClinVar (database versions not stated): gnomAD exomes below 0.00001; TOPMed 0.00001.
gnomAD v4.1: 2 of 1,612,680 alleles (0.00012%); highest among the groups gnomAD compares: Non-Finnish European, 0.00017%; no homozygotes.

Submission:

CeGaT Center for Human Genetics Tuebingen
Classification: Likely benign. Last evaluated: 2022-08-01. Review status: criteria provided, single submitter. Criteria: CeGaT Center For Human Genetics Tuebingen Variant Classification Criteria Version 2. Collection method: clinical testing. Allele origin: germline. Affected: yes. Observed: 1 variant allele.
Comment: ATP13A2: PM2:Supporting, BP4, BP7

NM_022089.4(ATP13A2):c.*17C>T

Gene: ATP13A2 (ATPase cation transporting 13A2; minus strand). Cytogenetic location: 1p36.13.
Variant type: single nucleotide variant.
Coding change: c.*17C>T on transcript NM_022089.4 (MANE Select); 17 bases downstream of the stop codon, C replaced by T.
Molecular consequence: 3 prime UTR variant. On other transcripts: synonymous variant (1).
Genome position (GRCh38, 1-based): chr1:16,986,204, G>A on the plus strand (C>T on the coding strand, the complement: ATP13A2 is on the minus strand). VCF-style: chr1-16986204-G-A. GRCh37 (hg19) VCF-style: chr1-17312699-G-A.
Other names: c.*17C>T (NM_001141973.3); c.3258C>T, p.His1086= (NM_001141974.3).
Identifiers: ClinVar variation 1711213 (VCV001711213.30), dbSNP rs1452079880, ClinGen allele CA890928552.